The following is an entry in ClinVar:

ClinVar aggregate classification (germline): Uncertain significance (1 of 4 stars; one submission).

Submission:

Ambry Genetics
Classification: Uncertain significance. Last evaluated: 2020-09-11. Review status: criteria provided, single submitter. Criteria: Ambry Variant Classification Scheme 2023. Collection method: clinical testing. Allele origin: germline.
Comment: The p.L533F variant (also known as c.1599G>T), located in coding exon 9 of the GALNT12 gene, results from a G to T substitution at nucleotide position 1599. The leucine at codon 533 is replaced by phenylalanine, an amino acid with highly similar properties. This amino acid position is not well conserved in available vertebrate species. In addition, this alteration is predicted to be tolerated by in silico analysis. Since supporting evidence is limited at this time, the clinical significance of this alteration remains unclear.

NM_024642.5(GALNT12):c.1599G>T (p.Leu533Phe)

Gene: GALNT12 (polypeptide N-acetylgalactosaminyltransferase 12; plus strand). Cytogenetic location: 9q22.33.
Variant type: single nucleotide variant.
Coding change: c.1599G>T on transcript NM_024642.5 (MANE Select); coding-DNA position 1599, G replaced by T.
Protein change: p.Leu533Phe; replaces leucine 533 with phenylalanine.
Molecular consequence: missense variant.
Genome position (GRCh38, 1-based): chr9:98,846,117, G>T. VCF-style: chr9-98846117-G-T. GRCh37 (hg19) VCF-style: chr9-101608399-G-T.
Other names: short protein forms L533F.
Identifiers: ClinVar variation 1776066 (VCV001776066.2), dbSNP rs572700544, ClinGen allele CA374221901.